The following is an entry in ClinVar:

ClinVar aggregate classification (germline): Uncertain significance (1 of 4 stars; one submission).

Conditions:
Severe early-onset pulmonary alveolar proteinosis due to MARS deficiency. Also called: PULMONARY ALVEOLAR PROTEINOSIS, REUNION ISLAND; Interstitial lung and liver disease. Identifiers: Orphanet 440427, MedGen C4225400, MONDO:0014206, OMIM 615486.
Charcot-Marie-Tooth disease axonal type 2U. Also called: CHARCOT-MARIE-TOOTH NEUROPATHY, TYPE 2U; CHARCOT-MARIE-TOOTH DISEASE, AXONAL, AUTOSOMAL DOMINANT, TYPE 2U. Identifiers: Orphanet 397735, MedGen C4084821, MONDO:0014566, OMIM 616280.

Allele frequency attached by ClinVar (database versions not stated): gnomAD exomes below 0.00001; TOPMed below 0.00001; ExAC 0.00001.

Submission:

Labcorp Genetics (formerly Invitae), Labcorp
Classification: Uncertain significance for Charcot-Marie-Tooth disease axonal type 2U; Severe early-onset pulmonary alveolar proteinosis due to MARS deficiency. Last evaluated: 2023-08-03. Review status: criteria provided, single submitter. Criteria: Invitae Variant Classification Sherloc (09022015). Collection method: clinical testing. Allele origin: germline.
Comment: This variant is present in population databases (rs778621936, gnomAD 0.003%). In summary, the available evidence is currently insufficient to determine the role of this variant in disease. Therefore, it has been classified as a Variant of Uncertain Significance. This variant has not been reported in the literature in individuals affected with MARS-related conditions. This sequence change creates a premature translational stop signal (p.Thr835Lysfs*11) in the MARS gene. While this is not anticipated to result in nonsense mediated decay, it is expected to disrupt the last 66 amino acid(s) of the MARS protein.

NM_004990.4(MARS1):c.2504del (p.Thr835fs)

Gene: MARS1 (methionyl-tRNA synthetase 1; plus strand). Cytogenetic location: 12q13.3.
Variant type: Deletion.
Coding change: c.2504del on transcript NM_004990.4 (MANE Select); coding-DNA position 2504, one base deleted (C; older notation c.2504delC).
Protein change: p.Thr835fs; shifts the reading frame from threonine 835.
Molecular consequence: frameshift variant.
Genome position (GRCh38, 1-based): chr12:57,516,285, C deleted. VCF-style (leftmost placement, unchanged base first): chr12-57516284-AC-A. GRCh37 (hg19) VCF-style: chr12-57910067-AC-A.
Other names: short protein forms T835fs.
Identifiers: ClinVar variation 2930033 (VCV002930033.3), dbSNP rs778621936, ClinGen allele CA6650867.